The following is an entry in ClinVar:

ClinVar aggregate classification (germline): Uncertain significance. Review status: criteria provided, multiple submitters, no conflicts (2 of 4 stars). 2 submissions from 2 submitters: Uncertain significance (2). Last evaluated 2023-06-27.

Conditions:
Familial cancer of breast. Also called: Hereditary breast cancer; hereditary breast carcinoma; BREAST CANCER, FAMILIAL. Identifiers: Orphanet 227535, MedGen C0346153, MONDO:0016419, OMIM 114480. Disease mechanism: loss of function.
Hereditary cancer-predisposing syndrome. Also called: Neoplastic Syndromes, Hereditary; Hereditary Cancer Syndrome; Tumor predisposition; Hereditary neoplastic syndrome. Identifiers: Orphanet 140162, MedGen C0027672, MeSH D009386, MONDO:0015356.

Submissions (2):

Labcorp Genetics (formerly Invitae), Labcorp
Classification: Uncertain significance for Hereditary cancer-predisposing syndrome. Last evaluated: 2023-06-27. Review status: criteria provided, single submitter. Criteria: Invitae Variant Classification Sherloc (09022015). Collection method: clinical testing. Allele origin: germline.
Comment: This sequence change replaces isoleucine, which is neutral and non-polar, with valine, which is neutral and non-polar, at codon 364 of the RAD50 protein (p.Ile364Val). This variant is not present in population databases (gnomAD no frequency). This variant has not been reported in the literature in individuals affected with RAD50-related conditions. ClinVar contains an entry for this variant (Variation ID: 870650). Advanced modeling of protein sequence and biophysical properties (such as structural, functional, and spatial information, amino acid conservation, physicochemical variation, residue mobility, and thermodynamic stability) performed at Invitae indicates that this missense variant is not expected to disrupt RAD50 protein function. In summary, the available evidence is currently insufficient to determine the role of this variant in disease. Therefore, it has been classified as a Variant of Uncertain Significance.

Liquid Biopsy and Cancer Interception Group, Pfizer-University of Granada-Junta de Andalucía Centre for Genomics and Oncological Research
Classification: Uncertain significance for Familial cancer of breast. Review status: criteria provided, single submitter. Criteria: ACMG Guidelines, 2015. Collection method: clinical testing. Allele origin: germline. Affected: yes. Observed: 1 variant allele.

NM_005732.4(RAD50):c.1090A>G (p.Ile364Val)

Gene: RAD50 (RAD50 double strand break repair protein; plus strand). Cytogenetic location: 5q31.1.
Variant type: single nucleotide variant.
Coding change: c.1090A>G on transcript NM_005732.4 (MANE Select); coding-DNA position 1090, A replaced by G.
Protein change: p.Ile364Val; replaces isoleucine 364 with valine.
Molecular consequence: missense variant.
Genome position (GRCh38, 1-based): chr5:132,588,725, A>G. VCF-style: chr5-132588725-A-G. GRCh37 (hg19) VCF-style: chr5-131924417-A-G.
Other names: short protein forms I364V.
Identifiers: ClinVar variation 870650 (VCV000870650.7), dbSNP rs1750641668, ClinGen allele CA360942255.